The following is an entry in ClinVar:

ClinVar aggregate classification (germline): Benign (0 of 4 stars; one submission).

Conditions:
PTK7-related disorder. Also called: PTK7-related condition.

Allele frequency attached by ClinVar (database versions not stated): 1000 Genomes Project 0.33806; 1000 Genomes Project 30x 0.34354; ExAC 0.36056; gnomAD exomes 0.36228; gnomAD 0.38921; TOPMed 0.39720; ESP Exome Variant Server 0.40266.
gnomAD v4.1: 588,978 of 1,613,198 alleles (37%); highest among the groups gnomAD compares: Middle Eastern, 46%; 110,517 homozygotes.

Submission:

PreventionGenetics, part of Exact Sciences
Classification: Benign for PTK7-related condition. Last evaluated: 2019-10-17. Review status: no assertion criteria provided. Collection method: clinical testing. Allele origin: germline.
Comment: This variant is classified as benign based on ACMG/AMP sequence variant interpretation guidelines (Richards et al. 2015 PMID: 25741868, with internal and published modifications).

NM_002821.5(PTK7):c.1851G>A (p.Gly617=)

Gene: PTK7 (protein tyrosine kinase 7 (inactive); plus strand). Cytogenetic location: 6p21.1.
Variant type: single nucleotide variant.
Coding change: c.1851G>A on transcript NM_002821.5 (MANE Select); coding-DNA position 1851, G replaced by A.
Protein change: p.Gly617=; no amino-acid change (glycine 617 retained).
Molecular consequence: synonymous variant. On other transcripts: non-coding transcript variant (2).
Genome position (GRCh38, 1-based): chr6:43,142,013, G>A. VCF-style: chr6-43142013-G-A. GRCh37 (hg19) VCF-style: chr6-43109751-G-A.
Other names: c.1875G>A, p.Gly625= (NM_001270398.2); c.1731G>A, p.Gly577= (NM_152880.4); c.1461G>A, p.Gly487= (NM_152881.4); c.1851G>A, p.Gly617= (NM_152882.4).
Identifiers: ClinVar variation 3059857 (VCV003059857.2), dbSNP rs6905948, ClinGen allele CA3816170.
Genomic context (GRCh38, chr6:43,142,013, plus strand): 5'-ACCAGAGCGTACGACTGTGTACCAGGGCCACACAGCCCTACTGCAGTGCGAGGCCCAGGG[G>A]GACCCCAAGCCGCTGATTCAGTGGAAAGGCAAGGACCGCATCCTGGACCCCACCAAGCTG-3'
Protein context (NP_002812.2, residues 607-627): HTALLQCEAQ[Gly617=]DPKPLIQWKG